The following is an entry in ClinVar:

ClinVar aggregate classification (germline): Uncertain significance. Review status: criteria provided, multiple submitters, no conflicts (2 of 4 stars). 4 submissions from 4 submitters: Uncertain significance (3). 1 of the submissions does not count toward it. Last evaluated 2024-09-23.

Conditions:
Retinal dystrophy. Also called: Inherited retinal dystrophy. Identifiers: Orphanet 71862, MedGen C0854723, MeSH D058499, MONDO:0019118, HP:0000556.
Inborn genetic diseases. Identifiers: MedGen C0950123, MeSH D030342.

Allele frequency attached by ClinVar (database versions not stated): ESP Exome Variant Server 0.00008; TOPMed 0.00009.
gnomAD v4.1: 159 of 1,613,946 alleles (0.0099%); highest among the groups gnomAD compares: South Asian, 0.029%; no homozygotes.

Submissions (4):

Blueprint Genetics
Classification: Uncertain significance. Last evaluated: 2024-09-23. Review status: criteria provided, single submitter. Criteria: ACMG Guidelines, 2015. Collection method: clinical testing. Allele origin: germline.

Labcorp Genetics (formerly Invitae), Labcorp
Classification: Uncertain significance. Last evaluated: 2024-01-02. Review status: criteria provided, single submitter. Criteria: Invitae Variant Classification Sherloc (09022015). Collection method: clinical testing. Allele origin: germline.
Comment: This sequence change replaces threonine, which is neutral and polar, with methionine, which is neutral and non-polar, at codon 661 of the GRM6 protein (p.Thr661Met). This variant is present in population databases (rs143755306, gnomAD 0.02%). This variant has not been reported in the literature in individuals affected with GRM6-related conditions. ClinVar contains an entry for this variant (Variation ID: 839205). Advanced modeling of protein sequence and biophysical properties (such as structural, functional, and spatial information, amino acid conservation, physicochemical variation, residue mobility, and thermodynamic stability) performed at Invitae indicates that this missense variant is not expected to disrupt GRM6 protein function with a negative predictive value of 95%. In summary, the available evidence is currently insufficient to determine the role of this variant in disease. Therefore, it has been classified as a Variant of Uncertain Significance.

Ambry Genetics
Classification: Uncertain significance for Inborn genetic diseases. Last evaluated: 2023-09-22. Review status: criteria provided, single submitter. Criteria: Ambry Variant Classification Scheme 2023. Collection method: clinical testing. Allele origin: germline.

Institute of Human Genetics, Univ. Regensburg, Univ. Regensburg
Classification: Uncertain significance for Retinal dystrophy. Last evaluated: 2022-01-01. Review status: no assertion criteria provided. Criteria: ACMG Guidelines, 2015. Collection method: clinical testing. Allele origin: germline. Affected: yes. Not counted in ClinVar's aggregate classification.

NM_000843.4(GRM6):c.1982C>T (p.Thr661Met)

Genes: GRM6 (glutamate metabotropic receptor 6; minus strand), ZNF454 (zinc finger protein 454; plus strand). Cytogenetic location: 5q35.3.
Variant type: single nucleotide variant.
Coding change: c.1982C>T on transcript NM_000843.4 (MANE Select); coding-DNA position 1982, C replaced by T.
Protein change: p.Thr661Met; replaces threonine 661 with methionine.
Molecular consequence: missense variant.
Genome position (GRCh38, 1-based): chr5:178,986,272, G>A on the plus strand (C>T on the coding strand, the complement: GRM6 is on the minus strand). VCF-style: chr5-178986272-G-A. GRCh37 (hg19) VCF-style: chr5-178413273-G-A.
Other names: short protein forms T661M.
Identifiers: ClinVar variation 839205 (VCV000839205.8), dbSNP rs143755306, ClinGen allele CA3593871.